The following is an entry in ClinVar:

ClinVar aggregate classification (germline): Pathogenic/Likely pathogenic. Review status: criteria provided, multiple submitters, no conflicts (2 of 4 stars). 6 submissions from 6 submitters: Pathogenic (2); Likely pathogenic (4). Last evaluated 2026-01-27.

Conditions:
BBS10-related disorder. Also called: BBS10-related condition.
Bardet-Biedl syndrome 10 (BBS10). Identifiers: Orphanet 110, MedGen C1859568, MONDO:0014438, OMIM 615987.
Bardet-Biedl syndrome (BBS). Identifiers: Orphanet 110, MedGen C0752166, MONDO:0015229.

Allele frequency attached by ClinVar (database versions not stated): gnomAD exomes below 0.00001.
gnomAD v4.1: 1 of 1,614,074 alleles (0.000062%); highest among the groups gnomAD compares: South Asian, 0.0011%; no homozygotes.

Submissions (6):

Natera, Inc.
Classification: Likely pathogenic for Bardet-Biedl syndrome type 10. Last evaluated: 2026-01-27. Review status: criteria provided, single submitter. Criteria: Natera Variant Classification Schema (03/2026). Collection method: clinical testing. Allele origin: germline.
Comment: The c.1184A>G variant in BBS10 is a missense variant predicted to cause substitution of histidine to arginine at amino acid 395. This variant is rare in the general population with a frequency below the threshold expected for the associated phenotype(s). This variant has been observed in one or more individuals affected with the associated recessive disease, as either homozygous or compound heterozygous with a second variant (PMID: 37431782, 31639430). Additionally, this variant has been observed to segregate in affected family members (PMID: 31639430). Computational prediction algorithms indicate this variant is likely to affect gene or protein function. Given the available evidence, this variant is classified as Likely Pathogenic.

Labcorp Genetics (formerly Invitae), Labcorp
Classification: Pathogenic for Bardet-Biedl syndrome. Last evaluated: 2024-01-25. Review status: criteria provided, single submitter. Criteria: Invitae Variant Classification Sherloc (09022015). Collection method: clinical testing. Allele origin: germline.
Comment: This sequence change replaces histidine, which is basic and polar, with arginine, which is basic and polar, at codon 395 of the BBS10 protein (p.His395Arg). This variant is present in population databases (no rsID available, gnomAD 0.003%). This missense change has been observed in individual(s) with Bardet-Biedl syndrome (PMID: 31639430). It has also been observed to segregate with disease in related individuals. ClinVar contains an entry for this variant (Variation ID: 917794). Advanced modeling of protein sequence and biophysical properties (such as structural, functional, and spatial information, amino acid conservation, physicochemical variation, residue mobility, and thermodynamic stability) performed at Invitae indicates that this missense variant is expected to disrupt BBS10 protein function with a positive predictive value of 80%. For these reasons, this variant has been classified as Pathogenic.

Baylor Genetics
Classification: Likely pathogenic for Bardet-Biedl syndrome 10. Last evaluated: 2024-01-17. Review status: criteria provided, single submitter. Criteria: ACMG Guidelines, 2015. Collection method: clinical testing. Allele origin: unknown.

Blueprint Genetics
Classification: Likely pathogenic for BBS10-related disorders. Last evaluated: 2021-12-07. Review status: criteria provided, single submitter. Criteria: ACMG Guidelines, 2015. Collection method: clinical testing. Allele origin: germline. Affected: yes. Observed: 1 variant allele.

Women's Health and Genetics/Laboratory Corporation of America, LabCorp
Classification: Likely pathogenic for Bardet-Biedl syndrome. Last evaluated: 2020-04-24. Review status: criteria provided, single submitter. Criteria: LabCorp Variant Classification Summary - May 2015. Collection method: clinical testing. Allele origin: germline.
Comment: Variant summary: BBS10 c.1184A>G (p.His395Arg) results in a non-conservative amino acid change located in the Chaperonin Cpn60/TCP-1 family. Five of five in-silico tools predict a damaging effect of the variant on protein function. The variant allele was found at a frequency of 4e-06 in 251242 control chromosomes (gnomAD). c.1184A>G has been reported in the literature in the homozygous state in two siblings affected with classic Bardet-Biedl Syndrome (Chakrabarty_2020). Furthermore, a case study from a university reported the variant in homozygosity in another patient diagnosed with Bardet-Biedl Syndrome (Fracchia_2015). These data indicate that the variant is likely to be associated with disease. To our knowledge, no experimental evidence demonstrating an impact on protein function has been reported. No clinical diagnostic laboratories have submitted clinical-significance assessments for this variant to ClinVar after 2014. Based on the evidence outlined above, the variant was classified as likely pathogenic.

SN ONGC Dept of Genetics and Molecular biology Vision Research Foundation
Classification: Pathogenic for Bardet-Biedl syndrome. Review status: criteria provided, single submitter. Criteria: ACMG Guidelines, 2015. Collection method: research. Allele origin: inherited. Affected: yes.
Comment: This variant was observed in compound heterozygosity with variant NC_000012.11:g.76741536dup

Literature cited by the submitters: PubMed 37431782 (cited by Natera, Inc.); PubMed 31639430 (cited by 3 submitters).

NM_024685.4(BBS10):c.1184A>G (p.His395Arg)

Gene: BBS10 (Bardet-Biedl syndrome 10; minus strand). Cytogenetic location: 12q21.2.
Variant type: single nucleotide variant.
Coding change: c.1184A>G on transcript NM_024685.4 (MANE Select); coding-DNA position 1184, A replaced by G.
Protein change: p.His395Arg; replaces histidine 395 with arginine.
Molecular consequence: missense variant.
Genome position (GRCh38, 1-based): chr12:76,346,801, T>C on the plus strand (A>G on the coding strand, the complement: BBS10 is on the minus strand). VCF-style: chr12-76346801-T-C. GRCh37 (hg19) VCF-style: chr12-76740581-T-C.
Other names: short protein forms H395R.
Identifiers: ClinVar variation 917794 (VCV000917794.11), dbSNP rs1368733646, ClinGen allele CA16021327.
Genomic context (GRCh38, chr12:76,346,801, plus strand): 5'-TGTAAAGCATCCTCATGTTGTTCAATGAGACCATGCACTGGTCCACAAAGAACTATAGAG[T>C]GTGGTATAAATGCACATGTGCTTATCAAGCCTAGATGAACATATCTTTTGGATCTAAGGA-3'
Protein context (NP_078961.3, residues 385-405): GLISTCAFIP[His395Arg]SIVLCGPVHG